The following is an entry in ClinVar:

NM_001377.3(DYNC2H1):c.9354-63G>T

Gene: DYNC2H1 (dynein cytoplasmic 2 heavy chain 1; plus strand). Cytogenetic location: 11q22.3.
Variant type: single nucleotide variant.
Coding change: c.9354-63G>T on transcript NM_001377.3 (MANE Select); 63 bases into the intron before coding-DNA position 9354, G replaced by T.
Molecular consequence: intron variant.
Genome position (GRCh38, 1-based): chr11:103,231,197, G>T. VCF-style: chr11-103231197-G-T. GRCh37 (hg19) VCF-style: chr11-103101926-G-T.
Other names: c.9354-63G>T (NM_001080463.2).
Identifiers: ClinVar variation 675077 (VCV000675077.2), dbSNP rs61896695, ClinGen allele CA13562888.

ClinVar aggregate classification (germline): Benign. Review status: criteria provided, multiple submitters, no conflicts (2 of 4 stars). 2 submissions from 2 submitters: Benign (2). Last evaluated 2018-06-14.

Allele frequency attached by ClinVar (database versions not stated): 1000 Genomes Project 30x 0.04013; 1000 Genomes Project 0.04093; TOPMed 0.06197; gnomAD 0.07225 and 0.07334; gnomAD exomes 0.08963.
gnomAD v4.1: 82,588 of 954,866 alleles (8.6%); highest among the groups gnomAD compares: Non-Finnish European, 9.9%; 4,761 homozygotes.

Submissions (2):

GeneDx
Classification: Benign. Last evaluated: 2018-06-14. Review status: criteria provided, single submitter. Criteria: GeneDx Variant Classification (06012015). Collection method: clinical testing. Allele origin: germline. Affected: yes.
Comment: This variant is considered likely benign or benign based on one or more of the following criteria: it is a conservative change, it occurs at a poorly conserved position in the protein, it is predicted to be benign by multiple in silico algorithms, and/or has population frequency not consistent with disease.

Breakthrough Genomics
Classification: Benign. Review status: criteria provided, single submitter. Criteria: ACMG Guidelines, 2015. Collection method: not provided. Allele origin: germline. Inheritance: Autosomal recessive inheritance. Affected: yes.